The following is an entry in ClinVar:

ClinVar aggregate classification (germline): Conflicting classifications of pathogenicity. Review status: criteria provided, conflicting classifications (1 of 4 stars). 2 submissions from 2 submitters: Pathogenic (1); Uncertain significance (1). Last evaluated 2022-05-20.

Conditions:
Papillon-Lefèvre syndrome (PALS). Also called: KERATOSIS PALMOPLANTARIS WITH PERIODONTOPATHIA; Papillon-Lefevre Disease. Identifiers: Orphanet 678, MedGen C0030360, MONDO:0009490, OMIM 245000.
Periodontitis, aggressive. Identifiers: MedGen C0031106, MONDO:0980757.
Haim-Munk syndrome (HMS). Also called: COCHIN JEWISH DISORDER; KERATOSIS PALMOPLANTARIS WITH PERIODONTOPATHIA AND ONYCHOGRYPOSIS. Identifiers: Orphanet 2342, MedGen C1855627, MONDO:0009491, OMIM 245010.

Allele frequency attached by ClinVar (database versions not stated): gnomAD exomes 0.00001.

Submissions (2):

Labcorp Genetics (formerly Invitae), Labcorp
Classification: Pathogenic for Haim-Munk syndrome; Periodontitis, aggressive; Papillon-Lefèvre syndrome. Last evaluated: 2022-05-20. Review status: criteria provided, single submitter. Criteria: Invitae Variant Classification Sherloc (09022015). Collection method: clinical testing. Allele origin: germline.
Comment: This sequence change affects the initiator methionine of the CTSC mRNA. The next in-frame methionine is located at codon 57. The frequency data for this variant in the population databases is considered unreliable, as metrics indicate poor data quality at this position in the gnomAD database. Disruption of the initiator codon has been observed in individual(s) with Papillon-Lefèvre syndrome and related disorders (PMID: 18723326). ClinVar contains an entry for this variant (Variation ID: 306433). This variant disrupts a region of the CTSC protein in which other variant(s) (p.Trp39Ser) have been determined to be pathogenic (PMID: 11180012). This suggests that this is a clinically significant region of the protein, and that variants that disrupt it are likely to be disease-causing. For these reasons, this variant has been classified as Pathogenic.

Fulgent Genetics
Classification: Uncertain significance for Periodontitis, aggressive 1; Papillon-Lefèvre syndrome; Haim-Munk syndrome. Last evaluated: 2022-02-04. Review status: criteria provided, single submitter. Criteria: ACMG Guidelines, 2015. Collection method: clinical testing. Allele origin: unknown.

Literature cited by the submitters: PubMed 18723326 (cited by Labcorp Genetics (formerly Invitae), Labcorp); PubMed 11180012 (cited by Labcorp Genetics (formerly Invitae), Labcorp).

NM_001814.6(CTSC):c.1A>G (p.Met1Val)

Genes: CTSC (cathepsin C; minus strand), LOC130006572 (ATAC-STARR-seq lymphoblastoid active region 5382; plus strand). Cytogenetic location: 11q14.2.
Variant type: single nucleotide variant.
Coding change: c.1A>G on transcript NM_001814.6 (MANE Select); coding-DNA position 1, A replaced by G.
Protein change: p.Met1Val; changes the start codon (methionine 1).
Molecular consequence: missense variant, initiator codon variant.
Genome position (GRCh38, 1-based): chr11:88,337,672, T>C on the plus strand (A>G on the coding strand, the complement: CTSC is on the minus strand). VCF-style: chr11-88337672-T-C. GRCh37 (hg19) VCF-style: chr11-88070840-T-C.
Other names: c.1A>G (LRG_50t1); c.1A>G, p.Met1Val (NM_001114173.3, NM_148170.5); short protein forms M1V.
Identifiers: ClinVar variation 306433 (VCV000306433.11), dbSNP rs886048742, ClinGen allele CA10639648.